The following is an entry in ClinVar:

NM_015158.5(KANK1):c.3091C>G (p.Pro1031Ala)

Gene: KANK1 (KN motif and ankyrin repeat domains 1; plus strand). Cytogenetic location: 9p24.3.
Variant type: single nucleotide variant.
Coding change: c.3091C>G on transcript NM_015158.5 (MANE Select); coding-DNA position 3091, C replaced by G.
Protein change: p.Pro1031Ala; replaces proline 1031 with alanine.
Molecular consequence: missense variant. On other transcripts: intron variant (5).
Genome position (GRCh38, 1-based): chr9:732,463, C>G. VCF-style: chr9-732463-C-G. GRCh37 (hg19) VCF-style: chr9-732463-C-G.
Other names: c.3091C>G, p.Pro1031Ala (NM_001256876.3, NM_001256877.3, NM_001354334.2); c.3037C>G, p.Pro1013Ala (NM_001354332.2); c.2617C>G, p.Pro873Ala (NM_001354333.2, NM_001354335.2, NM_001354337.2 and 2 more transcripts); c.2563C>G, p.Pro855Ala (NM_001354338.2, NM_001354340.2, NM_001354344.2); c.3005+1197C>G (NM_001354331.2); c.2477+1197C>G (NM_001354336.2); c.2531+1197C>G (NM_001354339.2, NM_001354343.2, NM_001354342.2); short protein forms P1013A, P1031A, P873A, P855A.
Identifiers: ClinVar variation 1997819 (VCV001997819.4), dbSNP rs1832568139, ClinGen allele CA372757234.

ClinVar aggregate classification (germline): Uncertain significance (1 of 4 stars; one submission).

Submission:

Labcorp Genetics (formerly Invitae), Labcorp
Classification: Uncertain significance. Last evaluated: 2022-05-22. Review status: criteria provided, single submitter. Criteria: Invitae Variant Classification Sherloc (09022015). Collection method: clinical testing. Allele origin: germline.
Comment: In summary, the available evidence is currently insufficient to determine the role of this variant in disease. Therefore, it has been classified as a Variant of Uncertain Significance. Algorithms developed to predict the effect of missense changes on protein structure and function (SIFT, PolyPhen-2, Align-GVGD) all suggest that this variant is likely to be tolerated. This variant has not been reported in the literature in individuals affected with KANK1-related conditions. This variant is not present in population databases (gnomAD no frequency). This sequence change replaces proline, which is neutral and non-polar, with alanine, which is neutral and non-polar, at codon 1031 of the KANK1 protein (p.Pro1031Ala).